The following is an entry in ClinVar:

NM_001009944.3(PKD1):c.5892C>T (p.Arg1964=)

Gene: PKD1 (polycystin 1, transient receptor potential channel interacting; minus strand). Cytogenetic location: 16p13.3.
Variant type: single nucleotide variant.
Coding change: c.5892C>T on transcript NM_001009944.3 (MANE Select); coding-DNA position 5892, C replaced by T.
Protein change: p.Arg1964=; no amino-acid change (arginine 1964 retained).
Molecular consequence: synonymous variant.
Genome position (GRCh38, 1-based): chr16:2,109,275, G>A on the plus strand (C>T on the coding strand, the complement: PKD1 is on the minus strand). VCF-style: chr16-2109275-G-A. GRCh37 (hg19) VCF-style: chr16-2159276-G-A.
Other names: c.5892C>T, p.Arg1964= (NM_000296.4).
Identifiers: ClinVar variation 3057935 (VCV003057935.2), dbSNP rs199688830, ClinGen allele CA7831813.

ClinVar aggregate classification (germline): Likely benign (0 of 4 stars; one submission).

Conditions:
PKD1-related disorder. Also called: PKD1-related condition.

Allele frequency attached by ClinVar (database versions not stated): TOPMed 0.00002; ExAC 0.00003; gnomAD exomes 0.00004; gnomAD 0.00002.
gnomAD v4.1: 70 of 1,583,778 alleles (0.0044%); highest among the groups gnomAD compares: Middle Eastern, 0.18%; no homozygotes.

Submission:

PreventionGenetics, part of Exact Sciences
Classification: Likely benign for PKD1-related condition. Last evaluated: 2019-03-13. Review status: no assertion criteria provided. Collection method: clinical testing. Allele origin: germline.
Comment: This variant is classified as likely benign based on ACMG/AMP sequence variant interpretation guidelines (Richards et al. 2015 PMID: 25741868, with internal and published modifications).